The following is an entry in ClinVar:

ClinVar aggregate classification (germline): Likely benign. Review status: criteria provided, multiple submitters, no conflicts (2 of 4 stars). 2 submissions from 2 submitters: Likely benign (2). Last evaluated 2026-04-20.

Conditions:
SLC4A3-related disorder. Also called: SLC4A3-related condition.

Submissions (2):

PreventionGenetics, part of Exact Sciences
Classification: Likely benign for SLC4A3-related condition. Last evaluated: 2026-04-20. Review status: criteria provided, single submitter. Criteria: ACMG Guidelines, 2015. Collection method: clinical testing. Allele origin: germline.
Comment: This variant is classified as likely benign based on ACMG/AMP sequence variant interpretation guidelines (Richards et al. 2015 PMID: 25741868, with internal and published modifications).

Mayo Clinic Laboratories, Mayo Clinic
Classification: Likely benign. Last evaluated: 2025-07-29. Review status: criteria provided, single submitter. Criteria: ACMG Guidelines, 2015. Collection method: clinical testing. Allele origin: germline. Observed: 1 variant allele.
Comment: BS1_supporting, BP3

NM_005070.4(SLC4A3):c.408GGAAGAGGA[2] (p.Glu143_Glu145del)

Gene: SLC4A3 (solute carrier family 4 member 3; plus strand). Cytogenetic location: 2q35.
Variant type: Microsatellite.
Coding change: c.408GGAAGAGGA[2] on transcript NM_005070.4 (MANE Select); two copies in a row of the 9-base unit GGAAGAGGA starting at c.408; the reference has three copies in a row; one copy, 9 bases deleted.
Protein change: p.Glu143_Glu145del.
Molecular consequence: inframe deletion. On other transcripts: non-coding transcript variant (1).
Genome position (GRCh38, 1-based): chr2:219,629,352-219,629,360, GGAAGAGGA deleted; deleting any 9 consecutive bases within chr2:219,629,332-219,629,360 gives the same sequence; the position shown is the placement nearest the transcript's 3' end. VCF-style (leftmost placement, unchanged base first): chr2-219629331-TGAGGAAGAG-T. GRCh37 (hg19) VCF-style: chr2-220494053-TGAGGAAGAG-T.
Other names: p.Glu143_Glu145del; c.408GGAAGAGGA[2], p.Glu143_Glu145del (NM_001326559.2, NM_001438863.1, NM_201574.3); c.426_434del9 (NM_201574.2).
Identifiers: ClinVar variation 4684652 (VCV004684652.2).